The following is an entry in ClinVar:

ClinVar aggregate classification (germline): Pathogenic. Review status: criteria provided, multiple submitters, no conflicts (2 of 4 stars). 3 submissions from 3 submitters: Pathogenic (2). 1 of the submissions does not count toward it. Last evaluated 2023-06-09.

Conditions:
Acrokeratosis verruciformis of Hopf (AKV). Also called: HOPF DISEASE; Acrokeratosis verruciformis. Identifiers: Orphanet 79151, MedGen C0265971, MONDO:0007048, OMIM 101900.

Submissions (3):

Labcorp Genetics (formerly Invitae), Labcorp
Classification: Pathogenic. Last evaluated: 2023-06-09. Review status: criteria provided, single submitter. Criteria: Invitae Variant Classification Sherloc (09022015). Collection method: clinical testing. Allele origin: germline.
Comment: For these reasons, this variant has been classified as Pathogenic. Experimental studies have shown that this missense change affects ATP2A2 function (PMID: 12542527). Advanced modeling of protein sequence and biophysical properties (such as structural, functional, and spatial information, amino acid conservation, physicochemical variation, residue mobility, and thermodynamic stability) performed at Invitae indicates that this missense variant is not expected to disrupt ATP2A2 protein function. ClinVar contains an entry for this variant (Variation ID: 17799). This missense change has been observed in individuals with acrokeratosis verruciformis of Hopf (PMID: 12542527, 22814319, 25622760, 28035777, 28498512). It has also been observed to segregate with disease in related individuals. This variant is not present in population databases (gnomAD no frequency). This sequence change replaces proline, which is neutral and non-polar, with leucine, which is neutral and non-polar, at codon 602 of the ATP2A2 protein (p.Pro602Leu).

GeneDx
Classification: Pathogenic. Last evaluated: 2021-07-30. Review status: criteria provided, single submitter. Criteria: GeneDx Variant Classification Process June 2021. Collection method: clinical testing. Allele origin: germline. Affected: yes.
Comment: Published functional studies demonstrate a damaging effect: undetectable ATPase activity and impaired Ca2+ binding and transport (Dhitavat et al., 2003; Dode et al., 2003); Not observed at significant frequency in large population cohorts (Lek et al., 2016); Missense variants in this gene are often considered pathogenic (Stenson et al., 2014); In silico analysis supports that this missense variant has a deleterious effect on protein structure/function; This variant is associated with the following publications: (PMID: 12975374, 22814319, 28035777, 28498512, 25622760, 12542527, 16716163)

OMIM
Classification: Pathogenic for ACROKERATOSIS VERRUCIFORMIS. Last evaluated: 2003-02-01. Review status: no assertion criteria provided. Collection method: literature only. Allele origin: germline. Not counted in ClinVar's aggregate classification.

Literature cited by the submitters: PubMed 12542527 (cited by Labcorp Genetics (formerly Invitae), Labcorp and OMIM); PubMed 22814319 (cited by Labcorp Genetics (formerly Invitae), Labcorp); PubMed 25622760 (cited by Labcorp Genetics (formerly Invitae), Labcorp); PubMed 28035777 (cited by Labcorp Genetics (formerly Invitae), Labcorp); PubMed 28498512 (cited by Labcorp Genetics (formerly Invitae), Labcorp).

NM_170665.4(ATP2A2):c.1805C>T (p.Pro602Leu)

Genes: ATP2A2 (ATPase sarcoplasmic/endoplasmic reticulum Ca2+ transporting 2; plus strand), LOC126861637 (MED14-independent group 3 enhancer GRCh37_chr12:110778306-110779505; plus strand). Cytogenetic location: 12q24.11.
Variant type: single nucleotide variant.
Coding change: c.1805C>T on transcript NM_170665.4 (MANE Select); coding-DNA position 1805, C replaced by T.
Protein change: p.Pro602Leu; replaces proline 602 with leucine.
Molecular consequence: missense variant.
Genome position (GRCh38, 1-based): chr12:110,340,702, C>T. VCF-style: chr12-110340702-C-T. GRCh37 (hg19) VCF-style: chr12-110778507-C-T.
Other names: c.1805C>T, p.Pro602Leu (NM_001681.4); short protein forms P602L.
Identifiers: ClinVar variation 17799 (VCV000017799.7), dbSNP rs121912737, ClinGen allele CA127427.